The following is an entry in ClinVar:

ClinVar aggregate classification (germline): Uncertain significance (1 of 4 stars; one submission).

Allele frequency attached by ClinVar (database versions not stated): gnomAD exomes below 0.00001.
gnomAD v4.1: 3 of 1,613,730 alleles (0.00019%); highest among the groups gnomAD compares: African/African-American, 0.0013%; no homozygotes.

Submission:

Labcorp Genetics (formerly Invitae), Labcorp
Classification: Uncertain significance. Last evaluated: 2022-10-07. Review status: criteria provided, single submitter. Criteria: Invitae Variant Classification Sherloc (09022015). Collection method: clinical testing. Allele origin: germline.
Comment: This sequence change replaces glutamine, which is neutral and polar, with arginine, which is basic and polar, at codon 343 of the DSG1 protein (p.Gln343Arg). Advanced modeling of protein sequence and biophysical properties (such as structural, functional, and spatial information, amino acid conservation, physicochemical variation, residue mobility, and thermodynamic stability) performed at Invitae indicates that this missense variant is not expected to disrupt DSG1 protein function. This variant has not been reported in the literature in individuals affected with DSG1-related conditions. This variant is not present in population databases (gnomAD no frequency). In summary, the available evidence is currently insufficient to determine the role of this variant in disease. Therefore, it has been classified as a Variant of Uncertain Significance.

NM_001942.4(DSG1):c.1028A>G (p.Gln343Arg)

Gene: DSG1 (desmoglein 1; plus strand). Cytogenetic location: 18q12.1.
Variant type: single nucleotide variant.
Coding change: c.1028A>G on transcript NM_001942.4 (MANE Select); coding-DNA position 1028, A replaced by G.
Protein change: p.Gln343Arg; replaces glutamine 343 with arginine.
Molecular consequence: missense variant.
Genome position (GRCh38, 1-based): chr18:31,336,376, A>G. VCF-style: chr18-31336376-A-G. GRCh37 (hg19) VCF-style: chr18-28916339-A-G.
Other names: short protein forms Q343R.
Identifiers: ClinVar variation 2133700 (VCV002133700.4), dbSNP rs2510834304, ClinGen allele CA402132940.